The following is an entry in ClinVar:

ClinVar aggregate classification (germline): Uncertain significance (1 of 4 stars; one submission).

Conditions:
Paroxysmal nonkinesigenic dyskinesia. Also called: Paroxysmal non-kinesigenic dyskinesia. Identifiers: Orphanet 98810, MedGen C1869117, MONDO:0700088.

Allele frequency attached by ClinVar (database versions not stated): gnomAD exomes below 0.00001; ExAC 0.00001.
gnomAD v4.1: 5 of 1,612,916 alleles (0.00031%); highest among the groups gnomAD compares: Non-Finnish European, 0.00042%; no homozygotes.

Submission:

Labcorp Genetics (formerly Invitae), Labcorp
Classification: Uncertain significance for Paroxysmal nonkinesigenic dyskinesia. Last evaluated: 2017-11-21. Review status: criteria provided, single submitter. Criteria: Invitae Variant Classification Sherloc (09022015). Collection method: clinical testing. Allele origin: germline.
Comment: This variant has not been reported in the literature in individuals with PNKD-related disease. This variant is present in population databases (rs777714592, ExAC 0.002%). This sequence change replaces serine with phenylalanine at codon 258 of the PNKD protein (p.Ser258Phe). The serine residue is moderately conserved and there is a large physicochemical difference between serine and phenylalanine. Algorithms developed to predict the effect of missense changes on protein structure and function (SIFT, PolyPhen-2, Align-GVGD) all suggest that this variant is likely to be tolerated, but these predictions have not been confirmed by published functional studies and their clinical significance is uncertain. In summary, the available evidence is currently insufficient to determine the role of this variant in disease. Therefore, it has been classified as a Variant of Uncertain Significance.

NM_015488.5(PNKD):c.773C>T (p.Ser258Phe)

Genes: PNKD (PNKD metallo-beta-lactamase domain containing; plus strand), CATIP-AS2 (CATIP antisense RNA 2; minus strand). Cytogenetic location: 2q35.
Variant type: single nucleotide variant.
Coding change: c.773C>T on transcript NM_015488.5 (MANE Select); coding-DNA position 773, C replaced by T.
Protein change: p.Ser258Phe; replaces serine 258 with phenylalanine.
Molecular consequence: missense variant.
Genome position (GRCh38, 1-based): chr2:218,342,136, C>T. VCF-style: chr2-218342136-C-T. GRCh37 (hg19) VCF-style: chr2-219206859-C-T.
Other names: c.701C>T, p.Ser234Phe (NM_022572.5); short protein forms S258F, S234F.
Identifiers: ClinVar variation 536499 (VCV000536499.10), dbSNP rs777714592, ClinGen allele CA2104077.
Genomic context (GRCh38, chr2:218,342,136, plus strand): 5'-TGGATGGGGAGCCCTACAAGGGTCCCTCCTGCCTCTTCTCAGGGGACCTGCTCTTCCTCT[C>T]TGGCTGTGGTGAGTTTCCCCGAAAGAGAGAGGAGCTGGGAGAGGAGGGAGAGACAGAAGC-3'
Protein context (NP_056303.3, residues 248-268): CLFSGDLLFL[Ser258Phe]GCGRTFEGNA